The following is an entry in ClinVar:

ClinVar aggregate classification (germline): Uncertain significance (1 of 4 stars; one submission).

Allele frequency attached by ClinVar (database versions not stated): gnomAD exomes below 0.00001.

Submission:

Women's Health and Genetics/Laboratory Corporation of America, LabCorp
Classification: Uncertain significance. Last evaluated: 2024-01-19. Review status: criteria provided, single submitter. Criteria: LabCorp Variant Classification Summary - May 2015. Collection method: clinical testing. Allele origin: germline.
Comment: Variant summary: CHD5 c.3627G>A (p.Met1209Ile) results in a conservative amino acid change in the encoded protein sequence. Four of five in-silico tools predict a benign effect of the variant on protein function. The variant was absent in 250364 control chromosomes (gnomAD). The available data on variant occurrences in the general population are insufficient to allow any conclusion about variant significance. To our knowledge, no occurrence of c.3627G>A in individuals affected with Parenti-Mignot Neurodevelopmental Syndrome and no experimental evidence demonstrating its impact on protein function have been reported. No submitters have cited clinical-significance assessments for this variant to ClinVar. Based on the evidence outlined above, the variant was classified as uncertain significance.

NM_015557.3(CHD5):c.3627G>A (p.Met1209Ile)

Gene: CHD5 (chromodomain helicase DNA binding protein 5; minus strand). Cytogenetic location: 1p36.31.
Variant type: single nucleotide variant.
Coding change: c.3627G>A on transcript NM_015557.3 (MANE Select); coding-DNA position 3627, G replaced by A.
Protein change: p.Met1209Ile; replaces methionine 1209 with isoleucine.
Molecular consequence: missense variant.
Genome position (GRCh38, 1-based): chr1:6,128,602, C>T on the plus strand (G>A on the coding strand, the complement: CHD5 is on the minus strand). VCF-style: chr1-6128602-C-T. GRCh37 (hg19) VCF-style: chr1-6188662-C-T.
Other names: short protein forms M1209I.
Identifiers: ClinVar variation 3063997 (VCV003063997.1), dbSNP rs2525378960, ClinGen allele CA338075825.